The following is an entry in ClinVar:

NM_003331.5(TYK2):c.2670G>C (p.Thr890=)

Gene: TYK2 (tyrosine kinase 2; minus strand). Cytogenetic location: 19p13.2.
Variant type: single nucleotide variant.
Coding change: c.2670G>C on transcript NM_003331.5 (MANE Select); coding-DNA position 2670, G replaced by C.
Protein change: p.Thr890=; no amino-acid change (threonine 890 retained).
Molecular consequence: synonymous variant.
Genome position (GRCh38, 1-based): chr19:10,354,557, C>G on the plus strand (G>C on the coding strand, the complement: TYK2 is on the minus strand). VCF-style: chr19-10354557-C-G. GRCh37 (hg19) VCF-style: chr19-10465233-C-G.
Other names: c.2670G>C (LRG_121t1).
Identifiers: ClinVar variation 381269 (VCV000381269.42), dbSNP rs144332908, ClinGen allele CA9192964.

ClinVar aggregate classification (germline): Conflicting classifications of pathogenicity. Review status: criteria provided, conflicting classifications (1 of 4 stars). 7 submissions from 7 submitters: Uncertain significance (1); Likely benign (4). 2 of the submissions do not count toward it. Last evaluated 2026-01-27.

Conditions:
Immunodeficiency 35 (IMD35). Also called: Susceptibility to infection due to TYK2 deficiency; TYK2 DEFICIENCY; HIES WITH ATYPICAL MYCOBACTERIOSIS, AUTOSOMAL RECESSIVE; HYPER-IgE SYNDROME WITH ATYPICAL MYCOBACTERIOSIS, AUTOSOMAL RECESSIVE. Identifiers: Orphanet 331226, MedGen C1969086, MONDO:0012682, OMIM 611521.

Allele frequency attached by ClinVar (database versions not stated): ExAC 0.00010; gnomAD exomes 0.00016; TOPMed 0.00024; gnomAD 0.00025 and 0.00026; ESP Exome Variant Server 0.00038.
gnomAD v4.1: 551 of 1,613,908 alleles (0.034%); highest among the groups gnomAD compares: Non-Finnish European, 0.045%; no homozygotes.

Submissions (7):

Labcorp Genetics (formerly Invitae), Labcorp
Classification: Likely benign for Immunodeficiency 35. Last evaluated: 2026-01-27. Review status: criteria provided, single submitter. Criteria: Invitae Variant Classification Sherloc (09022015). Collection method: clinical testing. Allele origin: germline.

Blueprint Genetics
Classification: Likely benign. Last evaluated: 2024-06-26. Review status: criteria provided, single submitter. Criteria: ACMG Guidelines, 2015. Collection method: clinical testing. Allele origin: germline.

CeGaT Center for Human Genetics Tuebingen
Classification: Likely benign. Last evaluated: 2023-04-01. Review status: criteria provided, single submitter. Criteria: CeGaT Center For Human Genetics Tuebingen Variant Classification Criteria Version 2. Collection method: clinical testing. Allele origin: germline. Affected: yes. Observed: 1 variant allele.
Comment: TYK2: BP4, BP7

Illumina Laboratory Services, Illumina
Classification: Uncertain significance for Immunodeficiency 35. Last evaluated: 2018-01-12. Review status: criteria provided, single submitter. Criteria: ICSL Variant Classification Criteria 13 December 2019. Collection method: clinical testing. Allele origin: germline.

GeneDx
Classification: Likely benign. Last evaluated: 2015-12-03. Review status: criteria provided, single submitter. Criteria: GeneDx Variant Classification (06012015). Collection method: clinical testing. Allele origin: germline. Affected: yes.
Comment: This variant is considered likely benign or benign based on one or more of the following criteria: it is a conservative change, it occurs at a poorly conserved position in the protein, it is predicted to be benign by multiple in silico algorithms, and/or has population frequency not consistent with disease.

Clinical Genetics DNA and cytogenetics Diagnostics Lab, Erasmus MC, Erasmus Medical Center
Classification: Likely benign. Review status: no assertion criteria provided. Collection method: clinical testing. Allele origin: germline. Affected: yes. Study: VKGL Data-share Consensus. Not counted in ClinVar's aggregate classification.

Genome Diagnostics Laboratory, University Medical Center Utrecht
Classification: Likely benign. Review status: no assertion criteria provided. Collection method: clinical testing. Allele origin: germline. Affected: yes. Study: VKGL Data-share Consensus. Not counted in ClinVar's aggregate classification.